The following is an entry in ClinVar:

NM_030787.4(CFHR5):c.970+2T>G

Gene: CFHR5 (complement factor H related 5; plus strand). Cytogenetic location: 1q31.3.
Variant type: single nucleotide variant.
Coding change: c.970+2T>G on transcript NM_030787.4 (MANE Select); the canonical splice donor site of the intron after coding-DNA position 970, T replaced by G.
Molecular consequence: splice donor variant.
Genome position (GRCh38, 1-based): chr1:196,996,203, T>G. VCF-style: chr1-196996203-T-G. GRCh37 (hg19) VCF-style: chr1-196965333-T-G.
Identifiers: ClinVar variation 756683 (VCV000756683.13), dbSNP rs550747814, ClinGen allele CA1307915.

ClinVar aggregate classification (germline): Conflicting classifications of pathogenicity. Review status: criteria provided, conflicting classifications (1 of 4 stars). 5 submissions from 5 submitters: Uncertain significance (1); Benign (1); Likely benign (2). 1 of the submissions does not count toward it. Last evaluated 2025-09-13.

Conditions:
C3 glomerulonephritis. Also called: Nephropathy due to CFHR5 Deficiency; C3 GLOMERULOPATHY 3. Identifiers: Orphanet 329931, MedGen C4055342, MONDO:0013892, OMIM 614809.
CFHR5 deficiency. Identifiers: MedGen C3553720.
CFH-Related Dense Deposit Disease / Membranoproliferative Glomerulonephritis Type II. Identifiers: MedGen CN071292.

Allele frequency attached by ClinVar (database versions not stated): gnomAD below 0.00001 and 0.00034; TOPMed 0.00003; gnomAD exomes 0.00049 and 0.00103; ExAC 0.00128; 1000 Genomes Project 30x 0.00187; 1000 Genomes Project 0.00240.
gnomAD v4.1: 766 of 1,597,276 alleles (0.048%); highest among the groups gnomAD compares: South Asian, 0.8%; 7 homozygotes.

Submissions (5):

Labcorp Genetics (formerly Invitae), Labcorp
Classification: Benign. Last evaluated: 2025-09-13. Review status: criteria provided, single submitter. Criteria: Invitae Variant Classification Sherloc (09022015). Collection method: clinical testing. Allele origin: germline.

Mayo Clinic Laboratories, Mayo Clinic
Classification: Uncertain significance. Last evaluated: 2025-02-27. Review status: criteria provided, single submitter. Criteria: ACMG Guidelines, 2015. Collection method: clinical testing. Allele origin: germline. Observed: 3 variant alleles.

Genome-Nilou Lab
Classification: Likely benign for C3 glomerulonephritis. Last evaluated: 2023-04-11. Review status: criteria provided, single submitter. Criteria: ACMG Guidelines, 2015. Collection method: clinical testing. Allele origin: germline. Affected: no.

Illumina Laboratory Services, Illumina
Classification: Likely benign for Membranoproliferative glomerulonephritis with complement factor h deficiency. Last evaluated: 2017-04-28. Review status: criteria provided, single submitter. Criteria: ICSL Variant Classification Criteria 13 December 2019. Collection method: clinical testing. Allele origin: germline.
Comment: This variant was observed in the ICSL laboratory as part of a predisposition screen in an ostensibly healthy population. It had not been previously curated by ICSL or reported in the Human Gene Mutation Database (HGMD: prior to June 1st, 2018), and was therefore a candidate for classification through an automated scoring system. Utilizing variant allele frequency, disease prevalence and penetrance estimates, and inheritance mode, an automated score was calculated to assess if this variant is too frequent to cause the disease. Based on the score and internal cut-off values, a variant classified as likely benign is not then subjected to further curation. The score for this variant resulted in a classification of likely benign for this disease.

Biochemistry Department, Nishtar Medical University
Classification: Uncertain significance for C3 glomerulonephritis. Last evaluated: 2024-03-28. Review status: no assertion criteria provided. Collection method: clinical testing. Allele origin: germline. Affected: yes. Observed: 1 variant allele. Not counted in ClinVar's aggregate classification.

Literature cited by the submitters: PubMed 30476936 (cited by Mayo Clinic Laboratories, Mayo Clinic).